The following is an entry in ClinVar:

ClinVar aggregate classification (germline): Uncertain significance (1 of 4 stars; one submission).

gnomAD v4.1: 2 of 1,614,124 alleles (0.00012%); highest among the groups gnomAD compares: Non-Finnish European, 0.00017%; no homozygotes.

Submission:

Ambry Genetics
Classification: Uncertain significance. Last evaluated: 2025-08-05. Review status: criteria provided, single submitter. Criteria: Ambry Variant Classification Scheme 2023. Collection method: clinical testing. Allele origin: germline.
Comment: The p.T626A variant (also known as c.1876A>G), located in coding exon 2 of the CDK12 gene, results from an A to G substitution at nucleotide position 1876. The threonine at codon 626 is replaced by alanine, an amino acid with similar properties. This amino acid position is conserved. In addition, this alteration is predicted to be tolerated by in silico analysis. Based on the available evidence, the clinical significance of this variant remains unclear.

NM_016507.4(CDK12):c.1876A>G (p.Thr626Ala)

Gene: CDK12 (cyclin dependent kinase 12; plus strand). Cytogenetic location: 17q12.
Variant type: single nucleotide variant.
Coding change: c.1876A>G on transcript NM_016507.4 (MANE Select); coding-DNA position 1876, A replaced by G.
Protein change: p.Thr626Ala; replaces threonine 626 with alanine.
Molecular consequence: missense variant.
Genome position (GRCh38, 1-based): chr17:39,471,708, A>G. VCF-style: chr17-39471708-A-G. GRCh37 (hg19) VCF-style: chr17-37627961-A-G.
Other names: c.1876A>G, p.Thr626Ala (NM_015083.4); short protein forms T626A.
Identifiers: ClinVar variation 4224352 (VCV004224352.1).